The following is an entry in ClinVar:

ClinVar aggregate classification (germline): Pathogenic. Review status: reviewed by expert panel (3 of 4 stars). 3 submissions from 3 submitters: Pathogenic (1). 2 of the submissions do not count toward it. Last evaluated 2017-12-15.

Conditions:
Hereditary cancer-predisposing syndrome. Also called: Neoplastic Syndromes, Hereditary; Tumor predisposition; Hereditary neoplastic syndrome; Hereditary Cancer Syndrome. Identifiers: Orphanet 140162, MedGen C0027672, MeSH D009386, MONDO:0015356.
Breast-ovarian cancer, familial, susceptibility to, 2 (BROVCA2). Also called: BRCA2 Hereditary Breast and Ovarian Cancer. Identifiers: Orphanet 145, MedGen C2675520, MONDO:0012933, OMIM 612555. Disease mechanism: loss of function.
Familial cancer of breast. Also called: BREAST CANCER, FAMILIAL; Hereditary breast cancer; hereditary breast carcinoma. Identifiers: Orphanet 227535, MedGen C0346153, MONDO:0016419, OMIM 114480. Disease mechanism: loss of function.

Submissions (3):

Evidence-based Network for the Interpretation of Germline Mutant Alleles (ENIGMA)
Classification: Pathogenic for Breast-ovarian cancer, familial, susceptibility to, 2. Last evaluated: 2017-12-15. Review status: reviewed by expert panel. Criteria: ENIGMA BRCA1/2 Classification Criteria (2017-06-29). Collection method: curation. Allele origin: germline. Study: ENIGMA.
Comment: Variant allele predicted to encode a truncated non-functional protein.

Ambry Genetics
Classification: Pathogenic for Hereditary cancer-predisposing syndrome. Last evaluated: 2025-06-09. Review status: criteria provided, single submitter. Criteria: Ambry Variant Classification Scheme 2023. Collection method: clinical testing. Allele origin: germline. Not counted in ClinVar's aggregate classification.
Comment: The c.5580_5584delAAAAG pathogenic mutation, located in coding exon 10 of the BRCA2 gene, results from a deletion of 5 nucleotides at nucleotide positions 5580 to 5584, causing a translational frameshift with a predicted alternate stop codon (p.K1860Nfs*11). This variant is considered to be rare based on population cohorts in the Genome Aggregation Database (gnomAD). In addition to the clinical data presented in the literature, this alteration is expected to result in loss of function by premature protein truncation or nonsense-mediated mRNA decay. As such, this alteration is interpreted as a disease-causing mutation.

ClinVar Staff, National Center for Biotechnology Information (NCBI)
No classification provided. Condition: Familial cancer of breast. Review status: no classification provided. Collection method: literature only. Allele origin: germline. Affected: yes. Not counted in ClinVar's aggregate classification.

Literature cited by the submitters: PubMed 15548363 (cited by Ambry Genetics and ClinVar Staff, National Center for Biotechnology Information (NCBI)).

NM_000059.4(BRCA2):c.5580_5584del (p.Lys1860fs)

Gene: BRCA2 (BRCA2 DNA repair associated; plus strand). Cytogenetic location: 13q13.1.
Variant type: Deletion.
Coding change: c.5580_5584del on transcript NM_000059.4 (MANE Select); coding-DNA positions 5580 to 5584, 5 bases deleted (AAAAG; older notation c.5580_5584delAAAAG).
Protein change: p.Lys1860fs; shifts the reading frame from lysine 1860.
Molecular consequence: frameshift variant.
Genome position (GRCh38, 1-based): chr13:32,339,935-32,339,939, AAAAG deleted. VCF-style (leftmost placement, unchanged base first): chr13-32339934-AAAAAG-A. GRCh37 (hg19) VCF-style: chr13-32914071-AAAAAG-A.
Other names: c.5580_5584delAAAAG (NM_000059.3); short protein forms K1860fs.
Identifiers: ClinVar variation 51883 (VCV000051883.6), dbSNP rs397507789, ClinGen allele CA022622.